The following is an entry in ClinVar:

NM_015158.5(KANK1):c.106C>T (p.Pro36Ser)

Gene: KANK1 (KN motif and ankyrin repeat domains 1; plus strand). Cytogenetic location: 9p24.3.
Variant type: single nucleotide variant.
Coding change: c.106C>T on transcript NM_015158.5 (MANE Select); coding-DNA position 106, C replaced by T.
Protein change: p.Pro36Ser; replaces proline 36 with serine.
Molecular consequence: missense variant. On other transcripts: 5 prime UTR variant (12), non-coding transcript variant (1).
Genome position (GRCh38, 1-based): chr9:710,872, C>T. VCF-style: chr9-710872-C-T. GRCh37 (hg19) VCF-style: chr9-710872-C-T.
Other names: c.106C>T, p.Pro36Ser (NM_001256876.3, NM_001256877.3, NM_001354331.2 and 2 more transcripts); c.-369C>T (NM_001354333.2, NM_001354335.2, NM_001354336.2 and 9 more transcripts); short protein forms P36S.
Identifiers: ClinVar variation 1522753 (VCV001522753.8), dbSNP rs761236001, ClinGen allele CA372745483.
Genomic context (GRCh38, chr9:710,872, plus strand): 5'-GGTGATATTCTCAGTGGAGACCAGGACAAGGAACAGAAAGACCCTTACTTTGTGGAGACC[C>T]CCTATGGTTATCAACTAGACTTAGATTTCCTCAAATATGTGGATGACATACAGAAGGGAA-3'
Protein context (NP_055973.2, residues 26-46): EQKDPYFVET[Pro36Ser]YGYQLDLDFL

ClinVar aggregate classification (germline): Uncertain significance (1 of 4 stars; one submission).

Submission:

Labcorp Genetics (formerly Invitae), Labcorp
Classification: Uncertain significance. Last evaluated: 2022-06-05. Review status: criteria provided, single submitter. Criteria: Invitae Variant Classification Sherloc (09022015). Collection method: clinical testing. Allele origin: germline.
Comment: This sequence change replaces proline, which is neutral and non-polar, with serine, which is neutral and polar, at codon 36 of the KANK1 protein (p.Pro36Ser). This variant is not present in population databases (gnomAD no frequency). This variant has not been reported in the literature in individuals affected with KANK1-related conditions. ClinVar contains an entry for this variant (Variation ID: 1522753). Algorithms developed to predict the effect of missense changes on protein structure and function are either unavailable or do not agree on the potential impact of this missense change (SIFT: "Deleterious"; PolyPhen-2: "Probably Damaging"; Align-GVGD: "Class C0"). In summary, the available evidence is currently insufficient to determine the role of this variant in disease. Therefore, it has been classified as a Variant of Uncertain Significance.